The following is an entry in ClinVar:

NM_020791.4(TAOK1):c.1673_1674del (p.Glu558fs)

Gene: TAOK1 (TAO kinase 1; plus strand). Cytogenetic location: 17q11.2.
Variant type: Microsatellite.
Coding change: c.1673_1674del on transcript NM_020791.4 (MANE Select); coding-DNA positions 1673 to 1674, 2 bases deleted (AG; older notation c.1673_1674delAG).
Protein change: p.Glu558fs; shifts the reading frame from glutamic acid 558.
Molecular consequence: frameshift variant.
Genome position (GRCh38, 1-based): chr17:29,510,961-29,510,962, AG deleted; deleting any 2 consecutive bases within chr17:29,510,957-29,510,962 gives the same sequence; the c. name uses the placement nearest the transcript's 3' end. VCF-style (leftmost placement, unchanged base first): chr17-29510956-AAG-A. GRCh37 (hg19) VCF-style: chr17-27837974-AAG-A.
Other names: c.1673_1674del, p.Glu558fs (NM_025142.1); short protein forms E558fs.
Identifiers: ClinVar variation 3452872 (VCV003452872.1).

ClinVar aggregate classification (germline): Pathogenic (1 of 4 stars; one submission).

Conditions:
Inborn genetic diseases. Identifiers: MedGen C0950123, MeSH D030342.

Submission:

Ambry Genetics
Classification: Pathogenic for Inborn genetic diseases. Last evaluated: 2024-09-13. Review status: criteria provided, single submitter. Criteria: Ambry Variant Classification Scheme 2023. Collection method: clinical testing. Allele origin: germline.
Comment: The c.1673_1674delAG (p.E558Vfs*2) alteration, located in exon 15 (coding exon 14) of the TAOK1 gene, consists of a deletion of 2 nucleotides from position 1673 to 1674, causing a translational frameshift with a predicted alternate stop codon after 2 amino acids. This alteration is expected to result in loss of function by premature protein truncation or nonsense-mediated mRNA decay. This variant was not reported in population-based cohorts in the Genome Aggregation Database (gnomAD). Based on the available evidence, this alteration is classified as pathogenic.